The following is an entry in ClinVar:

NM_005027.4(PIK3R2):c.606G>C (p.Ala202=)

Genes: PIK3R2 (phosphoinositide-3-kinase regulatory subunit 2; plus strand), LOC130063979 (ATAC-STARR-seq lymphoblastoid silent region 10375; plus strand). Cytogenetic location: 19p13.11.
Variant type: single nucleotide variant.
Coding change: c.606G>C on transcript NM_005027.4 (MANE Select); coding-DNA position 606, G replaced by C.
Protein change: p.Ala202=; no amino-acid change (alanine 202 retained).
Molecular consequence: synonymous variant. On other transcripts: non-coding transcript variant (1).
Genome position (GRCh38, 1-based): chr19:18,161,286, G>C. VCF-style: chr19-18161286-G-C. GRCh37 (hg19) VCF-style: chr19-18272096-G-C.
Identifiers: ClinVar variation 3046940 (VCV003046940.2), dbSNP rs2513561723, ClinGen allele CA506108562.

ClinVar aggregate classification (germline): Likely benign (0 of 4 stars; one submission).

Conditions:
PIK3R2-related disorder. Also called: PIK3R2-related condition.

Submission:

PreventionGenetics, part of Exact Sciences
Classification: Likely benign for PIK3R2-related condition. Last evaluated: 2020-11-13. Review status: no assertion criteria provided. Collection method: clinical testing. Allele origin: germline.
Comment: This variant is classified as likely benign based on ACMG/AMP sequence variant interpretation guidelines (Richards et al. 2015 PMID: 25741868, with internal and published modifications).